The following is an entry in ClinVar:

NM_007294.4(BRCA1):c.2471A>T (p.Asn824Ile)

Gene: BRCA1 (BRCA1 DNA repair associated; minus strand). Cytogenetic location: 17q21.31.
Variant type: single nucleotide variant.
Coding change: c.2471A>T on transcript NM_007294.4 (MANE Select); coding-DNA position 2471, A replaced by T.
Protein change: p.Asn824Ile; replaces asparagine 824 with isoleucine.
Molecular consequence: missense variant. On other transcripts: intron variant (137).
Genome position (GRCh38, 1-based): chr17:43,093,060, T>A on the plus strand (A>T on the coding strand, the complement: BRCA1 is on the minus strand). VCF-style: chr17-43093060-T-A. GRCh37 (hg19) VCF-style: chr17-41245077-T-A.
Other names: c.2258A>T, p.Asn753Ile (NM_001407571.1, NM_001407853.1, NM_001407894.1 and 9 more transcripts); c.2471A>T, p.Asn824Ile (NM_001407593.1, NM_001407594.1, NM_001407596.1 and 30 more transcripts); c.2468A>T, p.Asn823Ile (NM_001407610.1, NM_001407587.1, NM_001407590.1 and 22 more transcripts); c.2462A>T, p.Asn821Ile (NM_001407646.1, NM_001407647.1); c.2348A>T, p.Asn783Ile (NM_001407648.1, NM_001407664.1, NM_001407665.1 and 19 more transcripts); c.2345A>T, p.Asn782Ile (NM_001407649.1, NM_001407670.1, NM_001407671.1 and 11 more transcripts); c.2393A>T, p.Asn798Ile (NM_001407653.1, NM_001407654.1, NM_001407655.1 and 4 more transcripts); c.2390A>T, p.Asn797Ile (NM_001407659.1, NM_001407660.1, NM_001407661.1 and 1 more transcripts); and 41 more; short protein forms N824I, N777I, N528I, N712I, N783I, N798I, N823I, N656I.
Identifiers: ClinVar variation 963966 (VCV000963966.15), dbSNP rs1485586275, ClinGen allele CA10597060.

ClinVar aggregate classification (germline): Conflicting classifications of pathogenicity. Review status: criteria provided, conflicting classifications (1 of 4 stars). 3 submissions from 3 submitters: Uncertain significance (2); Likely benign (1). Last evaluated 2023-03-23.

Conditions:
Hereditary cancer-predisposing syndrome. Also called: Tumor predisposition; Hereditary neoplastic syndrome; Hereditary Cancer Syndrome; Neoplastic Syndromes, Hereditary. Identifiers: Orphanet 140162, MedGen C0027672, MeSH D009386, MONDO:0015356.
Hereditary breast ovarian cancer syndrome. Also called: BRCA1- and BRCA2-Associated Hereditary Breast and Ovarian Cancer; Hereditary breast and ovarian cancer; Hereditary breast and/or ovarian cancer syndrome; Hereditary breast and ovarian cancer syndrome; Hereditary breast and ovarian cancer syndrome (HBOC); Breast and ovarian cancer. Identifiers: Orphanet 145, MedGen C0677776, MeSH D061325, MONDO:0003582. Disease mechanism: loss of function.

gnomAD v4.1: 1 of 1,613,868 alleles (0.000062%); highest among the groups gnomAD compares: Admixed American, 0.0017%; no homozygotes.

Submissions (3):

University of Washington Department of Laboratory Medicine, University of Washington
Classification: Likely benign for Hereditary cancer-predisposing syndrome. Last evaluated: 2023-03-23. Review status: criteria provided, single submitter. Criteria: Dines et al. (Genet Med. 2020). Collection method: curation. Allele origin: germline.
Comment: Missense variant in a coldspot region where missense variants are very unlikely to be pathogenic (PMID:31911673).

BRCA1 coldspot (exon 11 using historical exon numbering). Reclassification based on statistical prior probability

Labcorp Genetics (formerly Invitae), Labcorp
Classification: Uncertain significance for Hereditary breast ovarian cancer syndrome. Last evaluated: 2022-12-24. Review status: criteria provided, single submitter. Criteria: Invitae Variant Classification Sherloc (09022015). Collection method: clinical testing. Allele origin: germline.
Comment: In summary, the available evidence is currently insufficient to determine the role of this variant in disease. Therefore, it has been classified as a Variant of Uncertain Significance. Advanced modeling of protein sequence and biophysical properties (such as structural, functional, and spatial information, amino acid conservation, physicochemical variation, residue mobility, and thermodynamic stability) performed at Invitae indicates that this missense variant is not expected to disrupt BRCA1 protein function. ClinVar contains an entry for this variant (Variation ID: 963966). This variant has not been reported in the literature in individuals affected with BRCA1-related conditions. This variant is present in population databases (no rsID available, gnomAD 0.003%). This sequence change replaces asparagine, which is neutral and polar, with isoleucine, which is neutral and non-polar, at codon 824 of the BRCA1 protein (p.Asn824Ile).

Ambry Genetics
Classification: Uncertain significance for Hereditary cancer-predisposing syndrome. Last evaluated: 2022-01-11. Review status: criteria provided, single submitter. Criteria: Ambry Variant Classification Scheme 2023. Collection method: clinical testing. Allele origin: germline.
Comment: The p.N824I variant (also known as c.2471A>T), located in coding exon 9 of the BRCA1 gene, results from an A to T substitution at nucleotide position 2471. The asparagine at codon 824 is replaced by isoleucine, an amino acid with dissimilar properties. This amino acid position is not well conserved in available vertebrate species. In addition, the in silico prediction for this alteration is inconclusive. Since supporting evidence is limited at this time, the clinical significance of this alteration remains unclear.